The following is an entry in ClinVar:

NM_000069.3(CACNA1S):c.5087C>T (p.Thr1696Met)

Gene: CACNA1S (calcium voltage-gated channel subunit alpha1 S; minus strand). Cytogenetic location: 1q32.1.
Variant type: single nucleotide variant.
Coding change: c.5087C>T on transcript NM_000069.3 (MANE Select); coding-DNA position 5087, C replaced by T.
Protein change: p.Thr1696Met; replaces threonine 1696 with methionine.
Molecular consequence: missense variant.
Genome position (GRCh38, 1-based): chr1:201,041,551, G>A on the plus strand (C>T on the coding strand, the complement: CACNA1S is on the minus strand). VCF-style: chr1-201041551-G-A. GRCh37 (hg19) VCF-style: chr1-201010679-G-A.
Other names: short protein forms T1696M.
Identifiers: ClinVar variation 541057 (VCV000541057.19), dbSNP rs367577681, ClinGen allele CA083717.
Genomic context (GRCh38, chr1:201,041,551, plus strand): 5'-AGAAGGGACTGACCCAGGACCCTGCAGGGTTGGCCAAGGGCTCGTCCTCTGGTAGCAGGC[G>A]TCTCTGTCTCTTCTGGGAACTCCCTTTCATAGTGGACACTGAAATGGAAGCAAGGCTGGG-3'
Protein context (NP_000060.2, residues 1686-1706): YEREFPEETE[Thr1696Met]PATRGRALGQ

ClinVar aggregate classification (germline): Benign/Likely benign. Review status: criteria provided, multiple submitters, no conflicts (2 of 4 stars). 8 submissions from 5 submitters: Benign (2); Likely benign (5). 1 of the submissions does not count toward it. Last evaluated 2026-01-21.

Conditions:
Thyrotoxic periodic paralysis, susceptibility to, 1 (TTPP1). Identifiers: Orphanet 79102, MedGen C2749982, MONDO:0008570, OMIM 188580.
Hypokalemic periodic paralysis, type 1. Also called: HypoPP; Hypokalemic Periodic Paralysis Type 1 (AD). Identifiers: Orphanet 681, MedGen C3714580, MONDO:0042979, OMIM 170400.
CACNA1S-related disorder. Also called: CACNA1S-related condition.
Congenital myopathy 18. Also called: Myopathy, congenital, due to dihydropyridine receptor defect; DIHYDROPYRIDINE RECEPTOR CONGENITAL MYOPATHY; DHPR CONGENITAL MYOPATHY. Identifiers: MedGen C5830283, MONDO:0859514, OMIM 620246.
Malignant hyperthermia, susceptibility to, 5 (MHS5). Also called: CACNA1S-Related Malignant Hyperthermia Susceptibility. Identifiers: Orphanet 423, MedGen C1866077, MONDO:0011163, OMIM 601887.

Allele frequency attached by ClinVar (database versions not stated): TOPMed 0.00004; ExAC 0.00071; 1000 Genomes Project 0.00180; ESP Exome Variant Server 0.00023; gnomAD exomes 0.00070; 1000 Genomes Project 30x 0.00203.
gnomAD v4.1: 563 of 1,614,154 alleles (0.035%); highest among the groups gnomAD compares: South Asian, 0.51%; 4 homozygotes.

Submissions (8):

Labcorp Genetics (formerly Invitae), Labcorp
Classification: Benign for Hypokalemic periodic paralysis, type 1; Malignant hyperthermia, susceptibility to, 5. Last evaluated: 2026-01-21. Review status: criteria provided, single submitter. Criteria: Invitae Variant Classification Sherloc (09022015). Collection method: clinical testing. Allele origin: germline.

Genome-Nilou Lab
Classification: Likely benign for Malignant hyperthermia, susceptibility to, 5. Last evaluated: 2023-04-11. Review status: criteria provided, single submitter. Criteria: ACMG Guidelines, 2015. Collection method: clinical testing. Allele origin: germline. Affected: no.

Genome-Nilou Lab
Classification: Likely benign for Thyrotoxic periodic paralysis, susceptibility to, 1. Last evaluated: 2023-04-11. Review status: criteria provided, single submitter. Criteria: ACMG Guidelines, 2015. Collection method: clinical testing. Allele origin: germline. Affected: no.

Genome-Nilou Lab
Classification: Likely benign for Congenital myopathy 18. Last evaluated: 2023-04-11. Review status: criteria provided, single submitter. Criteria: ACMG Guidelines, 2015. Collection method: clinical testing. Allele origin: germline. Affected: no.

Genome-Nilou Lab
Classification: Likely benign for Hypokalemic periodic paralysis, type 1. Last evaluated: 2023-04-11. Review status: criteria provided, single submitter. Criteria: ACMG Guidelines, 2015. Collection method: clinical testing. Allele origin: germline. Affected: no.

Color Diagnostics, LLC DBA Color Health
Classification: Benign for Malignant hyperthermia, susceptibility to, 5. Last evaluated: 2023-02-03. Review status: criteria provided, single submitter. Criteria: ACMG Guidelines, 2015. Collection method: clinical testing. Allele origin: germline.

GeneDx
Classification: Likely benign. Last evaluated: 2022-11-23. Review status: criteria provided, single submitter. Criteria: GeneDx Variant Classification Process June 2021. Collection method: clinical testing. Allele origin: germline. Affected: yes.
Comment: See Variant Classification Assertion Criteria.

PreventionGenetics, part of Exact Sciences
Classification: Benign for CACNA1S-related condition. Last evaluated: 2024-09-18. Review status: no assertion criteria provided. Collection method: clinical testing. Allele origin: germline. Not counted in ClinVar's aggregate classification.
Comment: This variant is classified as benign based on ACMG/AMP sequence variant interpretation guidelines (Richards et al. 2015 PMID: 25741868, with internal and published modifications).